The following is an entry in ClinVar:

ClinVar aggregate classification (germline): Uncertain significance (1 of 4 stars; one submission).

Conditions:
Brugada syndrome. Also called: Sudden unexpected nocturnal death syndrome; Sudden Unexplained Death Syndrome; Sudden Unexplained Nocturnal Death Syndrome (SUNDS); Sudden unexplained nocturnal death syndrome. Identifiers: Orphanet 130, MedGen C1142166, MONDO:0015263.

Allele frequency attached by ClinVar (database versions not stated): gnomAD exomes below 0.00001; TOPMed below 0.00001.

Submission:

Labcorp Genetics (formerly Invitae), Labcorp
Classification: Uncertain significance for Brugada syndrome. Last evaluated: 2022-05-31. Review status: criteria provided, single submitter. Criteria: Invitae Variant Classification Sherloc (09022015). Collection method: clinical testing. Allele origin: germline.
Comment: This sequence change falls in intron 7 of the SCN10A gene. It does not directly change the encoded amino acid sequence of the SCN10A protein. This variant is not present in population databases (gnomAD no frequency). This variant has not been reported in the literature in individuals affected with SCN10A-related conditions. Algorithms developed to predict the effect of sequence changes on RNA splicing suggest that this variant may disrupt the consensus splice site. In summary, the available evidence is currently insufficient to determine the role of this variant in disease. Therefore, it has been classified as a Variant of Uncertain Significance.

NM_006514.4(SCN10A):c.951-12T>A

Gene: SCN10A (sodium voltage-gated channel alpha subunit 10; minus strand). Cytogenetic location: 3p22.2.
Variant type: single nucleotide variant.
Coding change: c.951-12T>A on transcript NM_006514.4 (MANE Select); 12 bases into the intron before coding-DNA position 951, T replaced by A.
Molecular consequence: intron variant.
Genome position (GRCh38, 1-based): chr3:38,757,171, A>T on the plus strand (T>A on the coding strand, the complement: SCN10A is on the minus strand). VCF-style: chr3-38757171-A-T. GRCh37 (hg19) VCF-style: chr3-38798662-A-T.
Other names: c.951-12T>A (NM_001293307.2, NM_001293306.2).
Identifiers: ClinVar variation 2151457 (VCV002151457.4), dbSNP rs2063818437, ClinGen allele CA1358655636.